The following is an entry in ClinVar:

NM_002335.4(LRP5):c.935del (p.Leu312fs)

Gene: LRP5 (LDL receptor related protein 5; plus strand). Cytogenetic location: 11q13.2.
Variant type: Deletion.
Coding change: c.935del on transcript NM_002335.4 (MANE Select); coding-DNA position 935, one base deleted (T; older notation c.935delT).
Protein change: p.Leu312fs; shifts the reading frame from leucine 312.
Molecular consequence: frameshift variant. On other transcripts: 5 prime UTR variant (1).
Genome position (GRCh38, 1-based): chr11:68,365,622, T deleted. VCF-style (leftmost placement, unchanged base first): chr11-68365621-CT-C. GRCh37 (hg19) VCF-style: chr11-68133089-CT-C.
Other names: c.935delT (NM_002335.2); c.-831del (NM_001291902.2); short protein forms L312fs.
Identifiers: ClinVar variation 2098724 (VCV002098724.5), dbSNP rs1306460268, ClinGen allele CA679577026.

ClinVar aggregate classification (germline): Pathogenic. Review status: criteria provided, multiple submitters, no conflicts (2 of 4 stars). 2 submissions from 2 submitters: Pathogenic (2). Last evaluated 2025-04-28.

Conditions:
Inborn genetic diseases. Identifiers: MedGen C0950123, MeSH D030342.

Allele frequency attached by ClinVar (database versions not stated): TOPMed 0.00001.

Submissions (2):

Ambry Genetics
Classification: Pathogenic for Inborn genetic diseases. Last evaluated: 2025-04-28. Review status: criteria provided, single submitter. Criteria: Ambry Variant Classification Scheme 2023. Collection method: clinical testing. Allele origin: germline.
Comment: The c.935delT (p.L312Rfs*72) alteration, located in exon 5 (coding exon 5) of the LRP5 gene, consists of a deletion of one nucleotide at position 935, causing a translational frameshift with a predicted alternate stop codon after 72 amino acids. This alteration is expected to result in loss of function by premature protein truncation or nonsense-mediated mRNA decay. for LRP5-related reduced bone density disorders with or without eye findings; however, it is unlikely to be causative of LRP5-related high bone density disorders. This variant was not reported in population-based cohorts in the Genome Aggregation Database (gnomAD). This variant has been identified in trans with another LRP5 variant in an individual with features consistent with autosomal recessive LRP5-related reduced bone density disorders with or without eye findings (St&uuml;rznickel, 2021). Based on the available evidence, this alteration is classified as pathogenic.

Labcorp Genetics (formerly Invitae), Labcorp
Classification: Pathogenic. Last evaluated: 2023-02-17. Review status: criteria provided, single submitter. Criteria: Invitae Variant Classification Sherloc (09022015). Collection method: clinical testing. Allele origin: germline.
Comment: This sequence change creates a premature translational stop signal (p.Leu312Argfs*72) in the LRP5 gene. It is expected to result in an absent or disrupted protein product. Loss-of-function variants in LRP5 are known to be pathogenic (PMID: 11719191, 16252235, 25711638). This variant is not present in population databases (gnomAD no frequency). This premature translational stop signal has been observed in individual(s) with clinical features of LRP5-related conditions (PMID: 33118644). For these reasons, this variant has been classified as Pathogenic.

Literature cited by the submitters: PubMed 33118644 (cited by Ambry Genetics and Labcorp Genetics (formerly Invitae), Labcorp); PubMed 11719191 (cited by Labcorp Genetics (formerly Invitae), Labcorp); PubMed 16252235 (cited by Labcorp Genetics (formerly Invitae), Labcorp); PubMed 25711638 (cited by Labcorp Genetics (formerly Invitae), Labcorp).